The following is an entry in ClinVar:

NM_000059.4(BRCA2):c.9554A>C (p.His3185Pro)

Gene: BRCA2 (BRCA2 DNA repair associated; plus strand). Cytogenetic location: 13q13.1.
Variant type: single nucleotide variant.
Coding change: c.9554A>C on transcript NM_000059.4 (MANE Select); coding-DNA position 9554, A replaced by C.
Protein change: p.His3185Pro; replaces histidine 3185 with proline.
Molecular consequence: missense variant.
Genome position (GRCh38, 1-based): chr13:32,396,950, A>C. VCF-style: chr13-32396950-A-C. GRCh37 (hg19) VCF-style: chr13-32971087-A-C.
Other names: short protein forms H3185P.
Identifiers: ClinVar variation 188264 (VCV000188264.9), dbSNP rs786204184, ClinGen allele CA026208.

ClinVar aggregate classification (germline): Uncertain significance (1 of 4 stars; one submission).

Conditions:
Hereditary breast ovarian cancer syndrome. Also called: Hereditary breast and ovarian cancer; Hereditary breast and/or ovarian cancer syndrome; BRCA1- and BRCA2-Associated Hereditary Breast and Ovarian Cancer; Hereditary breast and ovarian cancer syndrome (HBOC); Hereditary breast and ovarian cancer syndrome; Breast and ovarian cancer. Identifiers: Orphanet 145, MedGen C0677776, MeSH D061325, MONDO:0003582. Disease mechanism: loss of function.

Submission:

Labcorp Genetics (formerly Invitae), Labcorp
Classification: Uncertain significance for Hereditary breast ovarian cancer syndrome. Last evaluated: 2014-11-29. Review status: criteria provided, single submitter. Criteria: Invitae Variant Classification Sherloc (09022015). Collection method: clinical testing. Allele origin: germline.
Comment: In summary, this is a novel missense change that is not predicted to affect protein function or cause disease. However the evidence is insufficient at this time to prove that conclusively. It has been classified as a Variant of Uncertain Significance. Algorithms developed to predict the effect of missense changes on protein structure and function (SIFT, PolyPhen-2, Align-GVGD) all suggest that this sequence change is likely to be tolerated, but these predictions have not been confirmed by published functional studies. This sequence change has not been published in the literature and is not present in population databases. This sequence change replaces histidine with proline at codon 3185 of the BRCA2 protein (p.His3185Pro). The histidine residue is weakly conserved and there is a moderate physicochemical difference between histidine and proline.